The following is an entry in ClinVar:

ClinVar aggregate classification (germline): Likely benign (1 of 4 stars; one submission).

Submission:

GeneDx
Classification: Likely benign. Last evaluated: 2017-02-13. Review status: criteria provided, single submitter. Criteria: GeneDx Variant Classification (06012015). Collection method: clinical testing. Allele origin: germline. Affected: yes.
Comment: This variant is considered likely benign or benign based on one or more of the following criteria: it is a conservative change, it occurs at a poorly conserved position in the protein, it is predicted to be benign by multiple in silico algorithms, and/or has population frequency not consistent with disease.

NM_004329.3(BMPR1A):c.-275G>C

Genes: BMPR1A (bone morphogenetic protein receptor type 1A; plus strand), LOC130004245 (ATAC-STARR-seq lymphoblastoid silent region 2573; plus strand). Cytogenetic location: 10q23.2.
Variant type: single nucleotide variant.
Coding change: c.-275G>C on transcript NM_004329.3 (MANE Select); 275 bases upstream of the start codon, G replaced by C.
Molecular consequence: 5 prime UTR variant.
Genome position (GRCh38, 1-based): chr10:86,756,912, G>C. VCF-style: chr10-86756912-G-C. GRCh37 (hg19) VCF-style: chr10-88516669-G-C.
Identifiers: ClinVar variation 507399 (VCV000507399.1), dbSNP rs1554875173, ClinGen allele CA658797463.